The following is an entry in ClinVar:

ClinVar aggregate classification (germline): Uncertain significance (1 of 4 stars; one submission).

Submission:

Labcorp Genetics (formerly Invitae), Labcorp
Classification: Uncertain significance. Last evaluated: 2021-06-12. Review status: criteria provided, single submitter. Criteria: Invitae Variant Classification Sherloc (09022015). Collection method: clinical testing. Allele origin: germline.
Comment: In summary, the available evidence is currently insufficient to determine the role of this variant in disease. Therefore, it has been classified as a Variant of Uncertain Significance. Algorithms developed to predict the effect of missense changes on protein structure and function (SIFT, PolyPhen-2, Align-GVGD) all suggest that this variant is likely to be tolerated, but these predictions have not been confirmed by published functional studies and their clinical significance is uncertain. This variant has not been reported in the literature in individuals with CEP152-related conditions. This variant is not present in population databases (ExAC no frequency). This sequence change replaces arginine with glycine at codon 109 of the CEP152 protein (p.Arg109Gly). The arginine residue is moderately conserved and there is a moderate physicochemical difference between arginine and glycine.

NM_001194998.2(CEP152):c.325A>G (p.Arg109Gly)

Gene: CEP152 (centrosomal protein 152; minus strand). Cytogenetic location: 15q21.1.
Variant type: single nucleotide variant.
Coding change: c.325A>G on transcript NM_001194998.2 (MANE Select); coding-DNA position 325, A replaced by G.
Protein change: p.Arg109Gly; replaces arginine 109 with glycine.
Molecular consequence: missense variant.
Genome position (GRCh38, 1-based): chr15:48,797,516, T>C on the plus strand (A>G on the coding strand, the complement: CEP152 is on the minus strand). VCF-style: chr15-48797516-T-C. GRCh37 (hg19) VCF-style: chr15-49089713-T-C.
Other names: c.325A>G, p.Arg109Gly (NM_014985.4); short protein forms R109G.
Identifiers: ClinVar variation 1400428 (VCV001400428.8), dbSNP rs2140907130, ClinGen allele CA392358074.
Genomic context (GRCh38, chr15:48,797,516, plus strand): 5'-CACCTTCATCTCCACCTTCTTCAGGATGGTACACAGGATGTCGGTCTTCAGTTTTACTTC[T>C]ATTTTCTTCCCAGACATTACCACATTTTTCTCCAGCATATAAACTCTGAATTTCATTATA-3'
Protein context (NP_001181927.1, residues 99-119): EKCGNVWEEN[Arg109Gly]SKTEDRHPVY